The following is an entry in ClinVar:

NM_152418.4(DCAF4L2):c.944C>T (p.Ser315Phe)

Gene: DCAF4L2 (DDB1 and CUL4 associated factor 4 like 2; minus strand). Cytogenetic location: 8q21.3.
Variant type: single nucleotide variant.
Coding change: c.944C>T on transcript NM_152418.4 (MANE Select); coding-DNA position 944, C replaced by T.
Protein change: p.Ser315Phe; replaces serine 315 with phenylalanine.
Molecular consequence: missense variant.
Genome position (GRCh38, 1-based): chr8:87,873,028, G>A on the plus strand (C>T on the coding strand, the complement: DCAF4L2 is on the minus strand). VCF-style: chr8-87873028-G-A. GRCh37 (hg19) VCF-style: chr8-88885256-G-A.
Other names: short protein forms S315F.
Identifiers: ClinVar variation 3038167 (VCV003038167.4), dbSNP rs146716352, ClinGen allele CA4801130.
Genomic context (GRCh38, chr8:87,873,028, plus strand): 5'-TCCTGGCCCACGGCCGCCACGACTCCTTCTTCTTCGTTCACATGCACGGGTAGGTAGGCG[G>A]AGTTATTCACATGACCTTCGTACTGTGTTACACATTTAGTGGCCCTCAAGTCCCACAGCT-3'
Protein context (NP_689631.1, residues 305-325): VTQYEGHVNN[Ser315Phe]AYLPVHVNEE

ClinVar aggregate classification (germline): Likely benign. Review status: criteria provided, single submitter (1 of 4 stars). 2 submissions from 2 submitters: Likely benign (1). 1 of the submissions does not count toward it. Last evaluated 2026-02-20.

Conditions:
DCAF4L2-related disorder. Also called: DCAF4L2-related condition.

Allele frequency attached by ClinVar (database versions not stated): ESP Exome Variant Server 0.00346; gnomAD exomes 0.00033; ExAC 0.00074; 1000 Genomes Project 30x 0.00187; 1000 Genomes Project 0.00220; gnomAD 0.00224; TOPMed 0.00235.

Submissions (2):

Ambry Genetics
Classification: Likely benign. Last evaluated: 2026-02-20. Review status: criteria provided, single submitter. Criteria: Ambry Variant Classification Scheme 2023. Collection method: clinical testing. Allele origin: germline.

PreventionGenetics, part of Exact Sciences
Classification: Benign for DCAF4L2-related condition. Last evaluated: 2019-05-02. Review status: no assertion criteria provided. Collection method: clinical testing. Allele origin: germline. Not counted in ClinVar's aggregate classification.
Comment: This variant is classified as benign based on ACMG/AMP sequence variant interpretation guidelines (Richards et al. 2015 PMID: 25741868, with internal and published modifications).